The following is an entry in ClinVar:

ClinVar aggregate classification (germline): Uncertain significance (1 of 4 stars; one submission).

Conditions:
Inborn genetic diseases. Identifiers: MedGen C0950123, MeSH D030342.

Submission:

Ambry Genetics
Classification: Uncertain significance for Inborn genetic diseases. Last evaluated: 2024-08-16. Review status: criteria provided, single submitter. Criteria: Ambry Variant Classification Scheme 2023. Collection method: clinical testing. Allele origin: germline.
Comment: The p.P765L variant (also known as c.2294C>T), located in coding exon 10 of the ATR gene, results from a C to T substitution at nucleotide position 2294. The proline at codon 765 is replaced by leucine, an amino acid with similar properties. This amino acid position is conserved. In addition, this alteration is predicted to be tolerated by in silico analysis. Since supporting evidence is limited at this time, the clinical significance of this alteration remains unclear.

NM_001184.4(ATR):c.2294C>T (p.Pro765Leu)

Gene: ATR (ATR checkpoint kinase; minus strand). Cytogenetic location: 3q23.
Variant type: single nucleotide variant.
Coding change: c.2294C>T on transcript NM_001184.4 (MANE Select); coding-DNA position 2294, C replaced by T.
Protein change: p.Pro765Leu; replaces proline 765 with leucine.
Molecular consequence: missense variant.
Genome position (GRCh38, 1-based): chr3:142,555,924, G>A on the plus strand (C>T on the coding strand, the complement: ATR is on the minus strand). VCF-style: chr3-142555924-G-A. GRCh37 (hg19) VCF-style: chr3-142274766-G-A.
Other names: c.2102C>T, p.Pro701Leu (NM_001354579.2); short protein forms P701L, P765L.
Identifiers: ClinVar variation 1789150 (VCV001789150.3), dbSNP rs2108470513, ClinGen allele CA354818489.